The following is an entry in ClinVar:

ClinVar aggregate classification (germline): Benign. Review status: criteria provided, multiple submitters, no conflicts (2 of 4 stars). 8 submissions from 7 submitters: Benign (8). Last evaluated 2026-02-02.

Conditions:
Wiskott-Aldrich syndrome (WAS). Also called: Wiskott-aldrich syndrome, somatic; ALDRICH SYNDROME; IMMUNODEFICIENCY 2; WISKOTT-ALDRICH SYNDROME 1. Identifiers: Orphanet 906, MedGen C0043194, MONDO:0010518, OMIM 301000.
Werner syndrome (WRN). Identifiers: Orphanet 902, MedGen C0043119, MONDO:0010196, OMIM 277700.

Allele frequency attached by ClinVar (database versions not stated): gnomAD exomes 0.00491; ExAC 0.00583; gnomAD 0.01851 and 0.01974; ESP Exome Variant Server 0.02030; TOPMed 0.02074; 1000 Genomes Project 0.02137; 1000 Genomes Project 30x 0.02217.
gnomAD v4.1: 5,718 of 1,614,008 alleles (0.35%); highest among the groups gnomAD compares: African/African-American, 6.6%; 166 homozygotes.

Submissions (8):

Labcorp Genetics (formerly Invitae), Labcorp
Classification: Benign for Werner syndrome. Last evaluated: 2026-02-02. Review status: criteria provided, single submitter. Criteria: Invitae Variant Classification Sherloc (09022015). Collection method: clinical testing. Allele origin: germline.

KCCC/NGS Laboratory, Kuwait Cancer Control Center
Classification: Benign for Werner syndrome. Last evaluated: 2025-02-01. Review status: criteria provided, single submitter. Criteria: ACMG Guidelines, 2015. Collection method: clinical testing. Allele origin: germline. Affected: no.

KCCC/NGS Laboratory, Kuwait Cancer Control Center
Classification: Benign for Wiskott-Aldrich syndrome. Last evaluated: 2023-07-07. Review status: criteria provided, single submitter. Criteria: ACMG Guidelines, 2015. Collection method: clinical testing. Allele origin: germline. Affected: yes.

Genome-Nilou Lab
Classification: Benign for Werner syndrome. Last evaluated: 2021-12-05. Review status: criteria provided, single submitter. Criteria: ACMG Guidelines, 2015. Collection method: clinical testing. Allele origin: germline. Affected: no.

Mayo Clinic Laboratories, Mayo Clinic
Classification: Benign. Last evaluated: 2021-05-06. Review status: criteria provided, single submitter. Criteria: ACMG Guidelines, 2015. Collection method: clinical testing. Allele origin: germline. Observed: 3 variant alleles.

GeneDx
Classification: Benign. Last evaluated: 2018-09-04. Review status: criteria provided, single submitter. Criteria: GeneDx Variant Classification Process June 2021. Collection method: clinical testing. Allele origin: germline. Affected: yes.

Illumina Laboratory Services, Illumina
Classification: Benign for Werner syndrome. Last evaluated: 2018-01-13. Review status: criteria provided, single submitter. Criteria: ICSL Variant Classification Criteria 13 December 2019. Collection method: clinical testing. Allele origin: germline.
Comment: This variant was observed in the ICSL laboratory as part of a predisposition screen in an ostensibly healthy population. It had not been previously curated by ICSL or reported in the Human Gene Mutation Database (HGMD: prior to June 1st, 2018), and was therefore a candidate for classification through an automated scoring system. Utilizing variant allele frequency, disease prevalence and penetrance estimates, and inheritance mode, an automated score was calculated to assess if this variant is too frequent to cause the disease. Based on the score and internal cut-off values, a variant classified as benign is not then subjected to further curation. The score for this variant resulted in a classification of benign for this disease.

Breakthrough Genomics
Classification: Benign. Review status: criteria provided, single submitter. Criteria: ACMG Guidelines, 2015. Collection method: not provided. Allele origin: germline. Inheritance: Autosomal recessive inheritance. Affected: yes.

NM_000553.6(WRN):c.1155G>A (p.Glu385=)

Gene: WRN (WRN RecQ like helicase; plus strand). Cytogenetic location: 8p12.
Variant type: single nucleotide variant.
Coding change: c.1155G>A on transcript NM_000553.6 (MANE Select); coding-DNA position 1155, G replaced by A.
Protein change: p.Glu385=; no amino-acid change (glutamic acid 385 retained).
Molecular consequence: synonymous variant.
Genome position (GRCh38, 1-based): chr8:31,081,182, G>A. VCF-style: chr8-31081182-G-A. GRCh37 (hg19) VCF-style: chr8-30938698-G-A.
Other names: p.Glu385=.
Identifiers: ClinVar variation 362799 (VCV000362799.20), dbSNP rs2230010, ClinGen allele CA4704256.
Genomic context (GRCh38, chr8:31,081,182, plus strand): 5'-TAAAGTGGAACGAAAAGAAGATGGATTTGAAGATGGAGTAGAAGACAACAAATTGAAAGA[G>A]AATATGGAAAGAGCTTGTTTGATGTCGTTAGATATTACAGAACATGAACTCCAAATTTTG-3'
Protein context (NP_000544.2, residues 375-395): EDGVEDNKLK[Glu385=]NMERACLMSL